The following is an entry in ClinVar:

NM_006384.4(CIB1):c.8del (p.Gly3fs)

Genes: CIB1 (calcium and integrin binding 1; minus strand), LOC130057907 (ATAC-STARR-seq lymphoblastoid silent region 6817; plus strand). Cytogenetic location: 15q26.1.
Variant type: Deletion.
Coding change: c.8del on transcript NM_006384.4 (MANE Select); coding-DNA position 8, one base deleted (G; older notation c.8delG).
Protein change: p.Gly3fs; shifts the reading frame from glycine 3.
Molecular consequence: frameshift variant, initiator codon variant.
Genome position (GRCh38, 1-based): chr15:90,233,878, C deleted on the plus strand (G on the coding strand, the reverse complement: CIB1 is on the minus strand); the first of 6 consecutive C bases (chr15:90,233,878-90,233,883); deleting any one gives the same sequence. VCF-style (leftmost placement, unchanged base first): chr15-90233877-GC-G. GRCh37 (hg19) VCF-style: chr15-90777109-GC-G.
Other names: c.8del, p.Gly3fs (NM_001277764.2); short protein forms G3fs.
Identifiers: ClinVar variation 3015395 (VCV003015395.3), dbSNP rs1296353492, ClinGen allele CA619566306.

ClinVar aggregate classification (germline): Pathogenic (1 of 4 stars; one submission).

Submission:

Labcorp Genetics (formerly Invitae), Labcorp
Classification: Pathogenic. Last evaluated: 2025-02-15. Review status: criteria provided, single submitter. Criteria: Invitae Variant Classification Sherloc (09022015). Collection method: clinical testing. Allele origin: germline.
Comment: This sequence change creates a premature translational stop signal (p.Gly3Alafs*17) in the CIB1 gene. It is expected to result in an absent or disrupted protein product. Loss-of-function variants in CIB1 are known to be pathogenic (PMID: 30068544). The frequency data for this variant in the population databases is considered unreliable, as metrics indicate poor data quality at this position in the gnomAD database. This variant has not been reported in the literature in individuals affected with CIB1-related conditions. ClinVar contains an entry for this variant (Variation ID: 3015395). For these reasons, this variant has been classified as Pathogenic.

Literature cited by the submitters: PubMed 30068544.